The following is an entry in ClinVar:

ClinVar aggregate classification (germline): Uncertain significance. Review status: criteria provided, multiple submitters, no conflicts (2 of 4 stars). 3 submissions from 3 submitters: Uncertain significance (3). Last evaluated 2025-10-01.

Allele frequency attached by ClinVar (database versions not stated): gnomAD 0.00001; TOPMed 0.00003; gnomAD exomes 0.00006 and 0.00007; ExAC 0.00009; 1000 Genomes Project 30x 0.00016; 1000 Genomes Project 0.00020.
gnomAD v4.1: 76 of 1,439,066 alleles (0.0053%); highest among the groups gnomAD compares: Middle Eastern, 0.038%; no homozygotes.

Submissions (3):

CeGaT Center for Human Genetics Tuebingen
Classification: Uncertain significance. Last evaluated: 2025-10-01. Review status: criteria provided, single submitter. Criteria: CeGaT Center For Human Genetics Tuebingen Variant Classification Criteria Version 2. Collection method: clinical testing. Allele origin: germline. Affected: yes. Observed: 1 variant allele.
Comment: RIPOR2: PM2:Supporting, BP4

Ambry Genetics
Classification: Uncertain significance. Last evaluated: 2023-05-23. Review status: criteria provided, single submitter. Criteria: Ambry Variant Classification Scheme 2023. Collection method: clinical testing. Allele origin: germline.

Labcorp Genetics (formerly Invitae), Labcorp
Classification: Uncertain significance. Last evaluated: 2022-11-01. Review status: criteria provided, single submitter. Criteria: Invitae Variant Classification Sherloc (09022015). Collection method: clinical testing. Allele origin: germline.
Comment: This sequence change replaces aspartic acid, which is acidic and polar, with glycine, which is neutral and non-polar, at codon 637 of the FAM65B protein (p.Asp637Gly). This variant is present in population databases (rs200604230, gnomAD 0.01%). This variant has not been reported in the literature in individuals affected with FAM65B-related conditions. ClinVar contains an entry for this variant (Variation ID: 1680498). Algorithms developed to predict the effect of missense changes on protein structure and function are either unavailable or do not agree on the potential impact of this missense change (SIFT: "Tolerated"; PolyPhen-2: "Possibly Damaging"; Align-GVGD: "Class C0"). In summary, the available evidence is currently insufficient to determine the role of this variant in disease. Therefore, it has been classified as a Variant of Uncertain Significance.

NM_001286445.3(RIPOR2):c.1847A>G (p.Asp616Gly)

Gene: RIPOR2 (RHO family interacting cell polarization regulator 2; minus strand). Cytogenetic location: 6p22.3.
Variant type: single nucleotide variant.
Coding change: c.1847A>G on transcript NM_001286445.3 (MANE Select); coding-DNA position 1847, A replaced by G.
Protein change: p.Asp616Gly; replaces aspartic acid 616 with glycine.
Molecular consequence: missense variant.
Genome position (GRCh38, 1-based): chr6:24,842,872, T>C on the plus strand (A>G on the coding strand, the complement: RIPOR2 is on the minus strand). VCF-style: chr6-24842872-T-C. GRCh37 (hg19) VCF-style: chr6-24843100-T-C.
Other names: c.1862A>G, p.Asp621Gly (NM_001286446.3); c.1760A>G, p.Asp587Gly (NM_001286447.2, NM_001346031.2, NM_001346032.2 and 1 more transcripts); c.1910A>G, p.Asp637Gly (NM_014722.5); c.1910A>G (NM_014722.2); short protein forms D587G, D616G, D621G, D637G.
Identifiers: ClinVar variation 1680498 (VCV001680498.14), dbSNP rs200604230, ClinGen allele CA3659181.
Genomic context (GRCh38, chr6:24,842,872, plus strand): 5'-TAGGACACCTCTCTCCAAACCTAATCCAATTTCTCTGAAAAGGTACTTACTTTTAGAATA[T>C]CATCCAAATTCATGACTTCTTGGTTCAGATCCTGAAACTCTTTATACTGCTCTTTATGTG-3'
Protein context (NP_001273374.1, residues 606-626): DLNQEVMNLD[Asp616Gly]ILKCKPAVSR